The following is an entry in ClinVar:

ClinVar aggregate classification (germline): Likely benign (1 of 4 stars; one submission).

Allele frequency attached by ClinVar (database versions not stated): gnomAD exomes 0.00022; ExAC 0.00063; ESP Exome Variant Server 0.00138; gnomAD 0.00173; TOPMed 0.00177; 1000 Genomes Project 30x 0.00484; 1000 Genomes Project 0.00519.
gnomAD v4.1: 622 of 1,614,150 alleles (0.039%); highest among the groups gnomAD compares: African/African-American, 0.59%; 3 homozygotes.

Submission:

CeGaT Center for Human Genetics Tuebingen
Classification: Likely benign. Last evaluated: 2022-03-01. Review status: criteria provided, single submitter. Criteria: CeGaT Center For Human Genetics Tuebingen Variant Classification Criteria Version 2. Collection method: clinical testing. Allele origin: germline. Affected: yes. Observed: 1 variant allele.
Comment: PCDHAC2: BP4, BP7

NM_018899.6(PCDHAC2):c.2460G>A (p.Ser820=)

Genes: PCDHA1 (protocadherin alpha 1; plus strand), PCDHA10 (protocadherin alpha 10; plus strand), PCDHA11 (protocadherin alpha 11; plus strand), PCDHA12 (protocadherin alpha 12; plus strand), PCDHA13 (protocadherin alpha 13; plus strand) and 11 more. Cytogenetic location: 5q31.3.
Variant type: single nucleotide variant.
Coding change: c.2460G>A on transcript NM_018899.6 (MANE Select); coding-DNA position 2460, G replaced by A.
Protein change: p.Ser820=; no amino-acid change (serine 820 retained).
Molecular consequence: synonymous variant. On other transcripts: intron variant (17).
Genome position (GRCh38, 1-based): chr5:140,969,226, G>A. VCF-style: chr5-140969226-G-A. GRCh37 (hg19) VCF-style: chr5-140348811-G-A.
Other names: c.2460G>A, p.Ser820= (NM_031883.3); c.2395-9723G>A (NM_018900.4, NM_018906.3, NM_018909.4 and 3 more transcripts); c.1603-9723G>A (NM_031411.3, NM_031849.3); c.2389-9723G>A (NM_018905.3, NM_018901.4); c.2386-9723G>A (NM_018907.4); c.2353-9723G>A (NM_018908.3); c.2356-9723G>A (NM_018910.3); c.1600-9723G>A (NM_031860.3); and 3 more.
Identifiers: ClinVar variation 2655805 (VCV002655805.24), dbSNP rs145631723, ClinGen allele CA3454406.